The following is an entry in ClinVar:

ClinVar aggregate classification (germline): Benign/Likely benign. Review status: criteria provided, multiple submitters, no conflicts (2 of 4 stars). 4 submissions from 4 submitters: Benign (2); Likely benign (1). 1 of the submissions does not count toward it. Last evaluated 2018-10-08.

Conditions:
Hereditary cancer-predisposing syndrome. Also called: Tumor predisposition; Neoplastic Syndromes, Hereditary; Hereditary neoplastic syndrome; Hereditary Cancer Syndrome. Identifiers: Orphanet 140162, MedGen C0027672, MeSH D009386, MONDO:0015356.
Lynch syndrome. Identifiers: Orphanet 144, MedGen C4552100, MONDO:0005835. Disease mechanism: loss of function.

Allele frequency attached by ClinVar (database versions not stated): gnomAD 0.00004.

Submissions (4):

ARUP Laboratories, Molecular Genetics and Genomics, ARUP Laboratories
Classification: Benign. Last evaluated: 2018-10-08. Review status: criteria provided, single submitter. Criteria: ARUP Molecular Germline Variant Investigation Process. Collection method: clinical testing. Allele origin: germline.

Color Diagnostics, LLC DBA Color Health
Classification: Likely benign for Hereditary cancer-predisposing syndrome. Last evaluated: 2015-07-29. Review status: criteria provided, single submitter. Criteria: ACMG Guidelines, 2015. Collection method: clinical testing. Allele origin: germline.

GeneDx
Classification: Benign. Last evaluated: 2013-09-17. Review status: criteria provided, single submitter. Criteria: GeneDx Variant Classification (06012015). Collection method: clinical testing. Allele origin: germline. Affected: yes.
Comment: This variant is considered likely benign or benign based on one or more of the following criteria: it is a conservative change, it occurs at a poorly conserved position in the protein, it is predicted to be benign by multiple in silico algorithms, and/or has population frequency not consistent with disease.

Women's Health and Genetics/Laboratory Corporation of America, LabCorp
Classification: Likely benign for Lynch syndrome. Last evaluated: 2015-10-02. Review status: no assertion criteria provided. Collection method: clinical testing. Allele origin: germline. Not counted in ClinVar's aggregate classification.

NM_000179.3(MSH6):c.260+10T>G

Genes: MSH6 (mutS homolog 6; plus strand), LOC129933707 (ATAC-STARR-seq lymphoblastoid silent region 11468; plus strand). Cytogenetic location: 2p16.3.
Variant type: single nucleotide variant.
Coding change: c.260+10T>G on transcript NM_000179.3 (MANE Select); 10 bases into the intron after coding-DNA position 260, T replaced by G.
Molecular consequence: intron variant.
Genome position (GRCh38, 1-based): chr2:47,783,503, T>G. VCF-style: chr2-47783503-T-G. GRCh37 (hg19) VCF-style: chr2-48010642-T-G.
Other names: c.-477+10T>G (NM_001281493.2); c.237+33T>G (NM_001281492.2).
Identifiers: ClinVar variation 36586 (VCV000036586.10), dbSNP rs193922342, ClinGen allele CA010505.